The following is an entry in ClinVar:

NM_003482.4(KMT2D):c.14897G>A (p.Arg4966Gln)

Gene: KMT2D (lysine methyltransferase 2D; minus strand). Cytogenetic location: 12q13.12.
Variant type: single nucleotide variant.
Coding change: c.14897G>A on transcript NM_003482.4 (MANE Select); coding-DNA position 14897, G replaced by A.
Protein change: p.Arg4966Gln; replaces arginine 4966 with glutamine.
Molecular consequence: missense variant.
Genome position (GRCh38, 1-based): chr12:49,027,069, C>T on the plus strand (G>A on the coding strand, the complement: KMT2D is on the minus strand). VCF-style: chr12-49027069-C-T. GRCh37 (hg19) VCF-style: chr12-49420852-C-T.
Other names: short protein forms R4966Q.
Identifiers: ClinVar variation 1223400 (VCV001223400.8), dbSNP rs2120367082, ClinGen allele CA384691354.

ClinVar aggregate classification (germline): Uncertain significance. Review status: criteria provided, multiple submitters, no conflicts (2 of 4 stars). 2 submissions from 2 submitters: Uncertain significance (2). Last evaluated 2022-02-07.

Conditions:
Kabuki syndrome. Also called: NIIKAWA-KUROKI SYNDROME; Kabuki make-up syndrome. Identifiers: Orphanet 2322, MedGen C0796004, MONDO:0016512.

Allele frequency attached by ClinVar (database versions not stated): gnomAD exomes below 0.00001.
gnomAD v4.1: 2 of 1,613,454 alleles (0.00012%); highest among the groups gnomAD compares: Non-Finnish European, 0.00017%; no homozygotes.

Submissions (2):

Labcorp Genetics (formerly Invitae), Labcorp
Classification: Uncertain significance for Kabuki syndrome. Last evaluated: 2022-02-07. Review status: criteria provided, single submitter. Criteria: Invitae Variant Classification Sherloc (09022015). Collection method: clinical testing. Allele origin: germline.
Comment: This variant has not been reported in the literature in individuals affected with KMT2D-related conditions. This variant is not present in population databases (gnomAD no frequency). This sequence change replaces arginine, which is basic and polar, with glutamine, which is neutral and polar, at codon 4966 of the KMT2D protein (p.Arg4966Gln). ClinVar contains an entry for this variant (Variation ID: 1223400). In summary, the available evidence is currently insufficient to determine the role of this variant in disease. Therefore, it has been classified as a Variant of Uncertain Significance. Algorithms developed to predict the effect of sequence changes on RNA splicing suggest that this variant may create or strengthen a splice site. Advanced modeling of protein sequence and biophysical properties (such as structural, functional, and spatial information, amino acid conservation, physicochemical variation, residue mobility, and thermodynamic stability) performed at Invitae indicates that this missense variant is not expected to disrupt KMT2D protein function.

GeneDx
Classification: Uncertain significance. Last evaluated: 2020-01-28. Review status: criteria provided, single submitter. Criteria: GeneDx Variant Classification Process June 2021. Collection method: clinical testing. Allele origin: germline. Affected: yes.
Comment: Not observed in large population cohorts (Lek et al., 2016); In silico analysis, which includes protein predictors and evolutionary conservation, supports a deleterious effect; Has not been previously published as pathogenic or benign to our knowledge